The following is an entry in ClinVar:

ClinVar aggregate classification (germline): Conflicting classifications of pathogenicity. Review status: criteria provided, conflicting classifications (1 of 4 stars). 3 submissions from 3 submitters: Uncertain significance (2); Likely benign (1). Last evaluated 2025-07-31.

Conditions:
Hereditary cancer-predisposing syndrome. Also called: Neoplastic Syndromes, Hereditary; Hereditary Cancer Syndrome; Tumor predisposition; Hereditary neoplastic syndrome. Identifiers: Orphanet 140162, MedGen C0027672, MeSH D009386, MONDO:0015356.
Ataxia-telangiectasia syndrome (AT). Also called: LOUIS-BAR SYNDROME; Cerebello-oculocutaneous telangiectasia; Immunodeficiency with ataxia telangiectasia; Ataxia-telangiectasia, complementation group D; AT, COMPLEMENTATION GROUP C; Ataxia-telangiectasia, complementation group E. Identifiers: Orphanet 100, MedGen C0004135, MONDO:0008840, OMIM 208900.

gnomAD v4.1: 1 of 1,613,382 alleles (0.000062%); no homozygotes.

Submissions (3):

Labcorp Genetics (formerly Invitae), Labcorp
Classification: Uncertain significance for Ataxia-telangiectasia syndrome. Last evaluated: 2025-07-31. Review status: criteria provided, single submitter. Criteria: Invitae Variant Classification Sherloc (09022015). Collection method: clinical testing. Allele origin: germline.
Comment: This sequence change replaces proline, which is neutral and non-polar, with serine, which is neutral and polar, at codon 2614 of the ATM protein (p.Pro2614Ser). This variant is not present in population databases (gnomAD no frequency). This missense change has been observed in individual(s) with breast cancer (PMID: 19781682). ClinVar contains an entry for this variant (Variation ID: 485184). Invitae Evidence Modeling of protein sequence and biophysical properties (such as structural, functional, and spatial information, amino acid conservation, physicochemical variation, residue mobility, and thermodynamic stability) indicates that this missense variant is not expected to disrupt ATM protein function with a negative predictive value of 95%. In summary, the available evidence is currently insufficient to determine the role of this variant in disease. Therefore, it has been classified as a Variant of Uncertain Significance.

Ambry Genetics
Classification: Likely benign for Hereditary cancer-predisposing syndrome. Last evaluated: 2025-03-13. Review status: criteria provided, single submitter. Criteria: Ambry Variant Classification Scheme 2023. Collection method: clinical testing. Allele origin: germline.

Color Diagnostics, LLC DBA Color Health
Classification: Uncertain significance for Hereditary cancer-predisposing syndrome. Last evaluated: 2019-06-04. Review status: criteria provided, single submitter. Criteria: ACMG Guidelines, 2015. Collection method: clinical testing. Allele origin: germline.

Literature cited by the submitters: PubMed 19781682 (cited by Labcorp Genetics (formerly Invitae), Labcorp).

NM_000051.4(ATM):c.7840C>T (p.Pro2614Ser)

Genes: ATM (ATM serine/threonine kinase; plus strand), C11orf65 (chromosome 11 open reading frame 65; minus strand). Cytogenetic location: 11q22.3.
Variant type: single nucleotide variant.
Coding change: c.7840C>T on transcript NM_000051.4 (MANE Select); coding-DNA position 7840, C replaced by T.
Protein change: p.Pro2614Ser; replaces proline 2614 with serine.
Molecular consequence: missense variant. On other transcripts: intron variant (2).
Genome position (GRCh38, 1-based): chr11:108,332,813, C>T. VCF-style: chr11-108332813-C-T. GRCh37 (hg19) VCF-style: chr11-108203540-C-T.
Other names: c.7840C>T, p.Pro2614Ser (NM_001351834.2); c.641-23742G>A (NM_001330368.2); c.*38+2407G>A (NM_001351110.2); short protein forms P2614S.
Identifiers: ClinVar variation 485184 (VCV000485184.16), dbSNP rs1555125305, ClinGen allele CA382561346.